The following is an entry in ClinVar:

NM_004820.5(CYP7B1):c.614A>G (p.Asn205Ser)

Gene: CYP7B1 (cytochrome P450 family 7 subfamily B member 1; minus strand). Cytogenetic location: 8q12.3.
Variant type: single nucleotide variant.
Coding change: c.614A>G on transcript NM_004820.5 (MANE Select); coding-DNA position 614, A replaced by G.
Protein change: p.Asn205Ser; replaces asparagine 205 with serine.
Molecular consequence: missense variant.
Genome position (GRCh38, 1-based): chr8:64,615,927, T>C on the plus strand (A>G on the coding strand, the complement: CYP7B1 is on the minus strand). VCF-style: chr8-64615927-T-C. GRCh37 (hg19) VCF-style: chr8-65528484-T-C.
Other names: c.614A>G, p.Asn205Ser (NM_001324112.2); short protein forms N205S.
Identifiers: ClinVar variation 2190488 (VCV002190488.1), dbSNP rs990739452, ClinGen allele CA178389637.

ClinVar aggregate classification (germline): Uncertain significance (1 of 4 stars; one submission).

Conditions:
Spastic paraplegia. Identifiers: MedGen C0037772, HP:0001258.

Allele frequency attached by ClinVar (database versions not stated): gnomAD exomes below 0.00001; TOPMed 0.00001.
gnomAD v4.1: 3 of 1,613,644 alleles (0.00019%); highest among the groups gnomAD compares: Middle Eastern, 0.017%; no homozygotes.

Submission:

Labcorp Genetics (formerly Invitae), Labcorp
Classification: Uncertain significance for Spastic paraplegia. Last evaluated: 2022-04-02. Review status: criteria provided, single submitter. Criteria: Invitae Variant Classification Sherloc (09022015). Collection method: clinical testing. Allele origin: germline.
Comment: This sequence change replaces asparagine, which is neutral and polar, with serine, which is neutral and polar, at codon 205 of the CYP7B1 protein (p.Asn205Ser). This variant is not present in population databases (gnomAD no frequency). This variant has not been reported in the literature in individuals affected with CYP7B1-related conditions. Algorithms developed to predict the effect of missense changes on protein structure and function output the following: SIFT: "Tolerated"; PolyPhen-2: "Benign"; Align-GVGD: "Class C0". The serine amino acid residue is found in multiple mammalian species, which suggests that this missense change does not adversely affect protein function. In summary, the available evidence is currently insufficient to determine the role of this variant in disease. Therefore, it has been classified as a Variant of Uncertain Significance.